The following is an entry in ClinVar:

NM_005026.5(PIK3CD):c.5C>T (p.Pro2Leu)

Gene: PIK3CD (phosphatidylinositol-4,5-bisphosphate 3-kinase catalytic subunit delta; plus strand). Cytogenetic location: 1p36.22.
Variant type: single nucleotide variant.
Coding change: c.5C>T on transcript NM_005026.5 (MANE Select); coding-DNA position 5, C replaced by T.
Protein change: p.Pro2Leu; replaces proline 2 with leucine.
Molecular consequence: missense variant.
Genome position (GRCh38, 1-based): chr1:9,710,460, C>T. VCF-style: chr1-9710460-C-T. GRCh37 (hg19) VCF-style: chr1-9770518-C-T.
Other names: c.5C>T, p.Pro2Leu (NM_001350234.2, NM_001350235.1); short protein forms P2L.
Identifiers: ClinVar variation 943206 (VCV000943206.13), dbSNP rs1257745660, ClinGen allele CA338299362.
Genomic context (GRCh38, chr1:9,710,460, plus strand): 5'-ATTTTGCCATTTCTTCATTTTTAGGACAACTGTCATCTGGGAAGTAACAACGCAGGATGC[C>T]CCCTGGGGTGGACTGCCCCATGGAATTCTGGACCAAGGAGGAGAATCAGAGCGTTGTGGT-3'
Protein context (NP_005017.3, residues 1-12): M[Pro2Leu]PGVDCPMEFW

ClinVar aggregate classification (germline): Uncertain significance. Review status: criteria provided, multiple submitters, no conflicts (2 of 4 stars). 3 submissions from 3 submitters: Uncertain significance (2). 1 of the submissions does not count toward it. Last evaluated 2026-07-22.

Conditions:
Immunodeficiency 14 (IMD14A). Also called: p110-DELTA-ACTIVATING MUTATION CAUSING SENESCENT T CELLS, LYMPHADENOPATHY, AND IMMUNODEFICIENCY; Activated PI3K Delta Syndrome Type 1 (APDS1); IMMUNODEFICIENCY 14A WITH LYMPHOPROLIFERATION, AUTOSOMAL DOMINANT; ACTIVATED PI3K-DELTA SYNDROME 1. Identifiers: Orphanet 397596, Orphanet 693661, MedGen C5907821, MONDO:0014222, OMIM 615513.
PIK3CD-related disorder. Also called: PIK3CD-related condition.
Activated PI3K-delta syndrome. Identifiers: Orphanet 397596, MedGen C3714976, MONDO:0018338.

Allele frequency attached by ClinVar (database versions not stated): gnomAD exomes 0.00001 and below 0.00001.
gnomAD v4.1: 3 of 1,614,088 alleles (0.00019%); highest among the groups gnomAD compares: East Asian, 0.0045%; no homozygotes.

Submissions (3):

PreventionGenetics, part of Exact Sciences
Classification: Uncertain significance for PIK3CD-related condition. Last evaluated: 2026-07-22. Review status: criteria provided, single submitter. Criteria: ACMG Guidelines, 2015. Collection method: clinical testing. Allele origin: germline.
Comment: The PIK3CD c.5C>T variant is predicted to result in the amino acid substitution p.Pro2Leu. To our knowledge, this variant has not been reported in the literature. This variant is reported in 0.0054% of alleles in individuals of East Asian descent in gnomAD. At this time, the clinical significance of this variant is uncertain due to the absence of conclusive functional and genetic evidence.

Labcorp Genetics (formerly Invitae), Labcorp
Classification: Uncertain significance for Activated PI3K-delta syndrome. Last evaluated: 2025-05-13. Review status: criteria provided, single submitter. Criteria: Invitae Variant Classification Sherloc (09022015). Collection method: clinical testing. Allele origin: germline.
Comment: This sequence change replaces proline, which is neutral and non-polar, with leucine, which is neutral and non-polar, at codon 2 of the PIK3CD protein (p.Pro2Leu). This variant is present in population databases (no rsID available, gnomAD 0.006%). This missense change has been observed in individual(s) with clinical features of PIK3CD-related conditions (internal data). It has also been observed to segregate with disease in related individuals. ClinVar contains an entry for this variant (Variation ID: 943206). An algorithm developed to predict the effect of missense changes on protein structure and function (PolyPhen-2) suggests that this variant is likely to be tolerated. In summary, the available evidence is currently insufficient to determine the role of this variant in disease. Therefore, it has been classified as a Variant of Uncertain Significance.

Rarefied Biosciences Lab
Classification: Likely pathogenic for Activated PI3K-delta syndrome. Review status: no assertion criteria provided. Collection method: research. Allele origin: paternal, not applicable. Affected: yes. Functional consequence: gain_of_function_variant. Not counted in ClinVar's aggregate classification.
Comment: The PIK3CD c.5C>T (p.Pro2Leu) variant results in a missense substitution at amino acid 2, replacing a highly conserved proline residue with leucine. This variant is very rare in population databases (3 of 1,614,088 alleles in gnomAD v4). Structural studies do not directly shed light on this region, though this region of the protein lies close to an interface with the p85 inhibitor. Immune profiling revealed elevated transitional B cells at 12% and increased T follicular helper (CD4+ CD45RO+ CXCR5+ PD1+) cells at 22%, both exceeding proportions observed in healthy controls. Additionally, activation of the mTOR signaling pathway was observed in circulating B cells, further supporting the pathogenic mechanism, as mTOR is a critical downstream effector of PI3K signaling. These findings show the same pattern of immune dysregulation as seen in those with pathogenic gain-of-function PIK3CD variants. The clinical phenotype associated with this variant also aligns with the gain of function disorder. Functional studies and rareness of the variant support a Likely Pathogenic classification.

Literature cited by the submitters: PubMed 31031754 (cited by Rarefied Biosciences Lab).